The following is an entry in ClinVar:

NM_001453.3(FOXC1):c.536C>T (p.Ala179Val)

Gene: FOXC1 (forkhead box C1; plus strand). Cytogenetic location: 6p25.3.
Variant type: single nucleotide variant.
Coding change: c.536C>T on transcript NM_001453.3 (MANE Select); coding-DNA position 536, C replaced by T.
Protein change: p.Ala179Val; replaces alanine 179 with valine.
Molecular consequence: missense variant.
Genome position (GRCh38, 1-based): chr6:1,610,981, C>T. VCF-style: chr6-1610981-C-T. GRCh37 (hg19) VCF-style: chr6-1611216-C-T.
Other names: short protein forms A179V.
Identifiers: ClinVar variation 2199564 (VCV002199564.4), dbSNP rs752984586, ClinGen allele CA3614771.

ClinVar aggregate classification (germline): Uncertain significance (1 of 4 stars; one submission).

Conditions:
Axenfeld-Rieger syndrome type 3 (RIEG3). Also called: AXENFELD-RIEGER ANOMALY WITH CARDIAC DEFECTS AND/OR SENSORINEURAL HEARING LOSS. Identifiers: Orphanet 782, MedGen C2678503, MONDO:0011233, OMIM 602482.

Allele frequency attached by ClinVar (database versions not stated): ExAC 0.00002.

Submission:

Labcorp Genetics (formerly Invitae), Labcorp
Classification: Uncertain significance for Axenfeld-Rieger syndrome type 3. Last evaluated: 2021-12-12. Review status: criteria provided, single submitter. Criteria: Invitae Variant Classification Sherloc (09022015). Collection method: clinical testing. Allele origin: germline.
Comment: In summary, the available evidence is currently insufficient to determine the role of this variant in disease. Therefore, it has been classified as a Variant of Uncertain Significance. Algorithms developed to predict the effect of missense changes on protein structure and function are either unavailable or do not agree on the potential impact of this missense change (SIFT: "Deleterious"; PolyPhen-2: "Benign"; Align-GVGD: "Class C55"). This variant has not been reported in the literature in individuals affected with FOXC1-related conditions. This variant is present in population databases (rs752984586, gnomAD 0.002%). This sequence change replaces alanine, which is neutral and non-polar, with valine, which is neutral and non-polar, at codon 179 of the FOXC1 protein (p.Ala179Val).